The following is an entry in ClinVar:

NM_018684.4(ZC4H2):c.431C>G (p.Thr144Arg)

Gene: ZC4H2 (zinc finger C4H2-type containing; minus strand). Cytogenetic location: Xq11.2.
Variant type: single nucleotide variant.
Coding change: c.431C>G on transcript NM_018684.4 (MANE Select); coding-DNA position 431, C replaced by G.
Protein change: p.Thr144Arg; replaces threonine 144 with arginine.
Molecular consequence: missense variant. On other transcripts: non-coding transcript variant (1), intron variant (1).
Genome position (GRCh38, 1-based): chrX:64,919,172, G>C on the plus strand (C>G on the coding strand, the complement: ZC4H2 is on the minus strand). VCF-style: chrX-64919172-G-C. GRCh37 (hg19) VCF-style: chrX-64139052-G-C.
Other names: c.362C>G, p.Thr121Arg (NM_001178032.3, NM_001243804.2); c.398+909C>G (NM_001178033.3); c.431C>G (NM_018684.3); short protein forms T121R, T144R.
Identifiers: ClinVar variation 1199215 (VCV001199215.9), dbSNP rs1009987755, ClinGen allele CA413411582.

ClinVar aggregate classification (germline): Uncertain significance. Review status: criteria provided, multiple submitters, no conflicts (2 of 4 stars). 3 submissions from 3 submitters: Uncertain significance (3). Last evaluated 2024-09-26.

Conditions:
ZC4H2-related X-linked intellectual disability.

gnomAD v4.1: 1 of 1,211,298 alleles (0.000083%); highest among the groups gnomAD compares: African/African-American, 0.0017%; no homozygotes.

Submissions (3):

GeneDx
Classification: Uncertain significance. Last evaluated: 2024-09-26. Review status: criteria provided, single submitter. Criteria: GeneDx Variant Classification Process June 2021. Collection method: clinical testing. Allele origin: germline. Affected: yes.
Comment: Has not been previously published as pathogenic or benign to our knowledge; Not observed at significant frequency in large population cohorts (gnomAD); In silico analysis indicates that this missense variant does not alter protein structure/function

Labcorp Genetics (formerly Invitae), Labcorp
Classification: Uncertain significance. Last evaluated: 2022-10-25. Review status: criteria provided, single submitter. Criteria: Invitae Variant Classification Sherloc (09022015). Collection method: clinical testing. Allele origin: germline.
Comment: In summary, the available evidence is currently insufficient to determine the role of this variant in disease. Therefore, it has been classified as a Variant of Uncertain Significance. Algorithms developed to predict the effect of missense changes on protein structure and function (SIFT, PolyPhen-2, Align-GVGD) all suggest that this variant is likely to be tolerated. This variant is not present in population databases (gnomAD no frequency). This sequence change replaces threonine, which is neutral and polar, with arginine, which is basic and polar, at codon 144 of the ZC4H2 protein (p.Thr144Arg). ClinVar contains an entry for this variant (Variation ID: 1199215). This variant has not been reported in the literature in individuals affected with ZC4H2-related conditions.

Illumina Laboratory Services, Illumina
Classification: Uncertain significance for ZC4H2-related X-linked intellectual disability. Last evaluated: 2021-03-05. Review status: criteria provided, single submitter. Criteria: ICSLVariantClassificationCriteria RUGD 01 April 2020. Collection method: clinical testing. Allele origin: unknown.
Comment: The ZC4H2 c.431C>G (p.Thr144Arg) variant is a missense variant. A literature search was performed for the gene, cDNA change, and amino acid change. No publications were found based on this search. This variant is not found in the Genome Aggregation Database in a region of good sequence coverage, so the variant is presumed to be rare. Based on the limited evidence, the p.Thr144Arg variant is classified as a variant of uncertain significance for ZC4H2-related X-linked syndromic intellectual disability.